The following is an entry in ClinVar:

NM_182895.5(SCARF2):c.1134C>G (p.Asp378Glu)

Gene: SCARF2 (scavenger receptor class F member 2; minus strand). Cytogenetic location: 22q11.21.
Variant type: single nucleotide variant.
Coding change: c.1134C>G on transcript NM_182895.5 (MANE Select); coding-DNA position 1134, C replaced by G.
Protein change: p.Asp378Glu; replaces aspartic acid 378 with glutamic acid.
Molecular consequence: missense variant.
Genome position (GRCh38, 1-based): chr22:20,430,497, G>C on the plus strand (C>G on the coding strand, the complement: SCARF2 is on the minus strand). VCF-style: chr22-20430497-G-C. GRCh37 (hg19) VCF-style: chr22-20784784-G-C.
Other names: c.1134C>G, p.Asp378Glu (NM_153334.7); short protein forms D378E.
Identifiers: ClinVar variation 1953403 (VCV001953403.3), dbSNP rs138330254, ClinGen allele CA10112511.

ClinVar aggregate classification (germline): Uncertain significance. Review status: criteria provided, multiple submitters, no conflicts (2 of 4 stars). 2 submissions from 2 submitters: Uncertain significance (2). Last evaluated 2022-08-23.

Conditions:
Inborn genetic diseases. Identifiers: MedGen C0950123, MeSH D030342.

Allele frequency attached by ClinVar (database versions not stated): gnomAD 0.00030; ESP Exome Variant Server 0.00046; gnomAD exomes 0.00049; ExAC 0.00059.

Submissions (2):

Labcorp Genetics (formerly Invitae), Labcorp
Classification: Uncertain significance. Last evaluated: 2022-08-23. Review status: criteria provided, single submitter. Criteria: Invitae Variant Classification Sherloc (09022015). Collection method: clinical testing. Allele origin: germline.
Comment: This sequence change replaces aspartic acid, which is acidic and polar, with glutamic acid, which is acidic and polar, at codon 378 of the SCARF2 protein (p.Asp378Glu). This variant is present in population databases (rs138330254, gnomAD 0.07%). This variant has not been reported in the literature in individuals affected with SCARF2-related conditions. Algorithms developed to predict the effect of missense changes on protein structure and function (SIFT, PolyPhen-2, Align-GVGD) all suggest that this variant is likely to be tolerated. Algorithms developed to predict the effect of sequence changes on RNA splicing suggest that this variant may create or strengthen a splice site. In summary, the available evidence is currently insufficient to determine the role of this variant in disease. Therefore, it has been classified as a Variant of Uncertain Significance.

Ambry Genetics
Classification: Uncertain significance for Inborn genetic diseases. Last evaluated: 2021-09-28. Review status: criteria provided, single submitter. Criteria: Ambry Variant Classification Scheme 2023. Collection method: clinical testing. Allele origin: germline.